The following is an entry in ClinVar:

NM_006078.5(CACNG2):c.228G>T (p.Leu76=)

Gene: CACNG2 (calcium voltage-gated channel auxiliary subunit gamma 2; minus strand). Cytogenetic location: 22q12.3.
Variant type: single nucleotide variant.
Coding change: c.228G>T on transcript NM_006078.5 (MANE Select); coding-DNA position 228, G replaced by T.
Protein change: p.Leu76=; no amino-acid change (leucine 76 retained).
Molecular consequence: synonymous variant. On other transcripts: non-coding transcript variant (1).
Genome position (GRCh38, 1-based): chr22:36,587,532, C>A on the plus strand (G>T on the coding strand, the complement: CACNG2 is on the minus strand). VCF-style: chr22-36587532-C-A. GRCh37 (hg19) VCF-style: chr22-36983579-C-A.
Other names: c.159G>T, p.Leu53= (NM_001379051.1).
Identifiers: ClinVar variation 3036720 (VCV003036720.2), dbSNP rs571563795, ClinGen allele CA10212225.

ClinVar aggregate classification (germline): Benign (0 of 4 stars; one submission).

Conditions:
CACNG2-related disorder. Also called: CACNG2-related condition.

Allele frequency attached by ClinVar (database versions not stated): TOPMed 0.00003; gnomAD 0.00017; ExAC 0.00060; 1000 Genomes Project 0.00080; 1000 Genomes Project 30x 0.00094.
gnomAD v4.1: 460 of 1,613,252 alleles (0.029%); highest among the groups gnomAD compares: South Asian, 0.49%; 2 homozygotes.

Submission:

PreventionGenetics, part of Exact Sciences
Classification: Benign for CACNG2-related condition. Last evaluated: 2019-02-21. Review status: no assertion criteria provided. Collection method: clinical testing. Allele origin: germline.
Comment: This variant is classified as benign based on ACMG/AMP sequence variant interpretation guidelines (Richards et al. 2015 PMID: 25741868, with internal and published modifications).